The following is an entry in ClinVar:

ClinVar aggregate classification (germline): Uncertain significance. Review status: criteria provided, multiple submitters, no conflicts (2 of 4 stars). 2 submissions from 2 submitters: Uncertain significance (2). Last evaluated 2026-03-21.

Conditions:
RAI1-related disorder. Also called: RAI1-related condition.

Submissions (2):

PreventionGenetics, part of Exact Sciences
Classification: Uncertain significance for RAI1-related condition. Last evaluated: 2026-03-21. Review status: criteria provided, single submitter. Criteria: ACMG Guidelines, 2015. Collection method: clinical testing. Allele origin: germline.
Comment: The RAI1 c.5356T>C variant is predicted to result in the amino acid substitution p.Cys1786Arg. To our knowledge, this variant has not been reported in the literature or in a large population database (gnomAD), indicating this variant is rare. At this time, the clinical significance of this variant is uncertain due to the absence of conclusive functional and genetic evidence.

GeneDx
Classification: Uncertain significance. Last evaluated: 2022-12-02. Review status: criteria provided, single submitter. Criteria: GeneDx Variant Classification Process June 2021. Collection method: clinical testing. Allele origin: germline. Affected: yes.
Comment: Not observed at significant frequency in large population cohorts (gnomAD); In silico analysis supports that this missense variant has a deleterious effect on protein structure/function; Has not been previously published as pathogenic or benign to our knowledge

NM_030665.4(RAI1):c.5356T>C (p.Cys1786Arg)

Gene: RAI1 (retinoic acid induced 1; plus strand). Cytogenetic location: 17p11.2.
Variant type: single nucleotide variant.
Coding change: c.5356T>C on transcript NM_030665.4 (MANE Select); coding-DNA position 5356, T replaced by C.
Protein change: p.Cys1786Arg; replaces cysteine 1786 with arginine.
Molecular consequence: missense variant.
Genome position (GRCh38, 1-based): chr17:17,798,304, T>C. VCF-style: chr17-17798304-T-C. GRCh37 (hg19) VCF-style: chr17-17701618-T-C.
Other names: short protein forms C1786R.
Identifiers: ClinVar variation 2504312 (VCV002504312.2), dbSNP rs2543626143, ClinGen allele CA398558996.